The following is an entry in ClinVar:

ClinVar aggregate classification (germline): Pathogenic/Likely pathogenic. Review status: criteria provided, multiple submitters, no conflicts (2 of 4 stars). 6 submissions from 6 submitters: Pathogenic (5); Likely pathogenic (1). Last evaluated 2025-02-13.

Conditions:
Hereditary cancer-predisposing syndrome. Also called: Hereditary neoplastic syndrome; Neoplastic Syndromes, Hereditary; Hereditary Cancer Syndrome; Tumor predisposition. Identifiers: Orphanet 140162, MedGen C0027672, MeSH D009386, MONDO:0015356.
Lynch syndrome 4 (LYNCH4). Also called: Colorectal cancer, hereditary nonpolyposis, type 4; Hereditary non-polyposis colorectal cancer, type 4. Identifiers: Orphanet 144, MedGen C1838333, MONDO:0013699, OMIM 614337. Disease mechanism: loss of function.
Hereditary nonpolyposis colorectal neoplasms. Identifiers: MedGen C0009405, MeSH D003123.

Submissions (6):

Quest Diagnostics Nichols Institute San Juan Capistrano
Classification: Pathogenic. Last evaluated: 2025-02-13. Review status: criteria provided, single submitter. Criteria: Quest Diagnostics criteria. Collection method: clinical testing. Allele origin: unknown.

Ambry Genetics
Classification: Pathogenic for Hereditary cancer-predisposing syndrome. Last evaluated: 2025-02-07. Review status: criteria provided, single submitter. Criteria: Ambry Variant Classification Scheme 2023. Collection method: clinical testing. Allele origin: germline.
Comment: The c.1864_1865delAT pathogenic mutation, located in coding exon 11 of the PMS2 gene, results from a deletion of two nucleotides at nucleotide positions 1864 to 1865, causing a translational frameshift with a predicted alternate stop codon (p.M622Efs*5). This variant has been reported in a Lynch syndrome individual diagnosed with colorectal cancer (Wernstedt A et al. Genes Chromosomes Cancer, 2012 Sep;51:819-31). This variant has also been reported in the germline of an individual with prostate cancer (Antonarakis ES et al. Eur. Urol., 2019 03;75:378-382). This alteration is expected to result in loss of function by premature protein truncation or nonsense-mediated mRNA decay. As such, this alteration is interpreted as a disease-causing mutation.

Myriad Genetics, Inc.
Classification: Pathogenic for Lynch syndrome 4. Last evaluated: 2023-09-21. Review status: criteria provided, single submitter. Criteria: Myriad Autosomal Dominant, Autosomal Recessive and X-Linked Classification Criteria (2023). Collection method: clinical testing. Allele origin: unknown.
Comment: This variant is considered pathogenic. This variant creates a frameshift predicted to result in premature protein truncation.

Labcorp Genetics (formerly Invitae), Labcorp
Classification: Pathogenic for Hereditary nonpolyposis colorectal neoplasms. Last evaluated: 2023-01-28. Review status: criteria provided, single submitter. Criteria: Invitae Variant Classification Sherloc (09022015). Collection method: clinical testing. Allele origin: germline.
Comment: For these reasons, this variant has been classified as Pathogenic. ClinVar contains an entry for this variant (Variation ID: 411059). This premature translational stop signal has been observed in individual(s) with colorectal cancer, and was shown to be derived from the PMS2CL pseudogene by a gene conversion event and a PMS2-related disease whose tumor was absent for PMS2 expression (PMID: 22585707, 23012243). This variant is not present in population databases (gnomAD no frequency). This sequence change creates a premature translational stop signal (p.Met622Glufs*5) in the PMS2 gene. It is expected to result in an absent or disrupted protein product. Loss-of-function variants in PMS2 are known to be pathogenic (PMID: 21376568, 24362816).

AiLife Diagnostics
Classification: Pathogenic. Last evaluated: 2022-01-18. Review status: criteria provided, single submitter. Criteria: ACMG Guidelines, 2015. Collection method: clinical testing. Allele origin: germline. Affected: yes. Observed: 1 variant allele.

Juno Genomics, Hangzhou Juno Genomics, Inc
Classification: Likely pathogenic for Lynch syndrome 4. Review status: criteria provided, single submitter. Criteria: ACMG Guidelines, 2015. Collection method: clinical testing. Allele origin: germline.
Comment: Absent from controls (or at extremely low frequency if recessive) in Genome Aggregation Database.;Null variant in a gene where loss of function (LOF) is a known mechanism of disease.

Literature cited by the submitters: PubMed 22585707 (cited by 4 submitters); PubMed 30337059 (cited by Quest Diagnostics Nichols Institute San Juan Capistrano and Ambry Genetics); PubMed 23012243 (cited by Labcorp Genetics (formerly Invitae), Labcorp and AiLife Diagnostics); PubMed 21376568 (cited by Labcorp Genetics (formerly Invitae), Labcorp); PubMed 24362816 (cited by Labcorp Genetics (formerly Invitae), Labcorp).

NM_000535.7(PMS2):c.1864_1865del (p.Met622fs)

Gene: PMS2 (PMS1 homolog 2, mismatch repair system component; minus strand). Cytogenetic location: 7p22.1.
Variant type: Deletion.
Coding change: c.1864_1865del on transcript NM_000535.7 (MANE Select); coding-DNA positions 1864 to 1865, 2 bases deleted (AT; older notation c.1864_1865delAT).
Protein change: p.Met622fs; shifts the reading frame from methionine 622.
Molecular consequence: frameshift variant. On other transcripts: non-coding transcript variant (1).
Genome position (GRCh38, 1-based): chr7:5,986,900-5,986,901, AT deleted on the plus strand (AT on the coding strand, the reverse complement: PMS2 is on the minus strand); deleting any 2 consecutive bases within chr7:5,986,900-5,986,902 gives the same sequence; the c. name uses the placement nearest the transcript's 3' end. VCF-style (leftmost placement, unchanged base first): chr7-5986899-CAT-C. GRCh37 (hg19) VCF-style: chr7-6026530-CAT-C.
Other names: c.1864_1865del (NM_000535.5); c.1459_1460del, p.Met487fs (NM_001322003.2, NM_001322004.2, NM_001322005.2 and 1 more transcripts); c.1708_1709del, p.Met570fs (NM_001322006.2); c.1546_1547del, p.Met516fs (NM_001322007.2, NM_001322008.2); c.1303_1304del, p.Met435fs (NM_001322010.2); c.931_932del, p.Met311fs (NM_001322011.2, NM_001322012.2); c.1291_1292del, p.Met431fs (NM_001322013.2); c.1864_1865del, p.Met622fs (NM_001322014.2); and 1 more; short protein forms M431fs, M487fs, M519fs, M435fs, M570fs, M311fs, M516fs, M622fs.
Identifiers: ClinVar variation 411059 (VCV000411059.21), dbSNP rs1060503137, ClinGen allele CA16612214.